The following is an entry in ClinVar:

ClinVar aggregate classification (germline): Uncertain significance (1 of 4 stars; one submission).

Conditions:
Hereditary breast ovarian cancer syndrome. Also called: Hereditary breast and ovarian cancer; Hereditary breast and ovarian cancer syndrome; Breast and ovarian cancer; BRCA1- and BRCA2-Associated Hereditary Breast and Ovarian Cancer; Hereditary breast and ovarian cancer syndrome (HBOC); Hereditary breast and/or ovarian cancer syndrome. Identifiers: Orphanet 145, MedGen C0677776, MeSH D061325, MONDO:0003582. Disease mechanism: loss of function.

Submission:

Labcorp Genetics (formerly Invitae), Labcorp
Classification: Uncertain significance for Hereditary breast ovarian cancer syndrome. Last evaluated: 2022-11-06. Review status: criteria provided, single submitter. Criteria: Invitae Variant Classification Sherloc (09022015). Collection method: clinical testing. Allele origin: germline.
Comment: In summary, the available evidence is currently insufficient to determine the role of this variant in disease. Therefore, it has been classified as a Variant of Uncertain Significance. Advanced modeling of protein sequence and biophysical properties (such as structural, functional, and spatial information, amino acid conservation, physicochemical variation, residue mobility, and thermodynamic stability) performed at Invitae indicates that this missense variant is not expected to disrupt BRCA2 protein function. This variant has not been reported in the literature in individuals affected with BRCA2-related conditions. This variant is not present in population databases (gnomAD no frequency). This sequence change replaces arginine, which is basic and polar, with isoleucine, which is neutral and non-polar, at codon 2319 of the BRCA2 protein (p.Arg2319Ile).

NM_000059.4(BRCA2):c.6956G>T (p.Arg2319Ile)

Gene: BRCA2 (BRCA2 DNA repair associated; plus strand). Cytogenetic location: 13q13.1.
Variant type: single nucleotide variant.
Coding change: c.6956G>T on transcript NM_000059.4 (MANE Select); coding-DNA position 6956, G replaced by T.
Protein change: p.Arg2319Ile; replaces arginine 2319 with isoleucine.
Molecular consequence: missense variant. On other transcripts: non-coding transcript variant (1).
Genome position (GRCh38, 1-based): chr13:32,346,845, G>T. VCF-style: chr13-32346845-G-T. GRCh37 (hg19) VCF-style: chr13-32920982-G-T.
Other names: c.6860G>T, p.Arg2287Ile (NM_001406719.1); c.6956G>T, p.Arg2319Ile (NM_001406720.1); c.2024G>T, p.Arg675Ile (NM_001406721.1); c.539G>T, p.Arg180Ile (NM_001406722.1); short protein forms R2287I, R180I, R2319I, R675I.
Identifiers: ClinVar variation 2812449 (VCV002812449.3), dbSNP rs80358922, ClinGen allele CA387792999.